The following is an entry in ClinVar:

NM_000316.3(PTH1R):c.1093del (p.Val365fs)

Gene: PTH1R (parathyroid hormone 1 receptor; plus strand). Cytogenetic location: 3p21.31.
Variant type: Deletion.
Coding change: c.1093del on transcript NM_000316.3 (MANE Select); coding-DNA position 1093, one base deleted (G; older notation c.1093delG).
Protein change: p.Val365fs; shifts the reading frame from valine 365.
Molecular consequence: frameshift variant.
Genome position (GRCh38, 1-based): chr3:46,901,457, G deleted; the last of 2 consecutive G bases (chr3:46,901,456-46,901,457); deleting either gives the same sequence. VCF-style (leftmost placement, unchanged base first): chr3-46901455-AG-A. GRCh37 (hg19) VCF-style: chr3-46942945-AG-A.
Other names: c.1093del, p.Val365fs (NM_001184744.1); short protein forms V365fs.
Identifiers: ClinVar variation 13746 (VCV000013746.3), dbSNP rs1304201852, ClinGen allele CA542732325.

ClinVar aggregate classification (germline): Pathogenic. Review status: criteria provided, single submitter (1 of 4 stars). 2 submissions from 2 submitters: Pathogenic (1). 1 of the submissions does not count toward it. Last evaluated 2024-09-09.

Conditions:
Chondrodysplasia Blomstrand type (BOCD). Identifiers: Orphanet 50945, MedGen C1859148, MONDO:0008970, OMIM 215045.

Submissions (2):

Labcorp Genetics (formerly Invitae), Labcorp
Classification: Pathogenic. Last evaluated: 2024-09-09. Review status: criteria provided, single submitter. Criteria: Invitae Variant Classification Sherloc (09022015). Collection method: clinical testing. Allele origin: germline.
Comment: This sequence change creates a premature translational stop signal (p.Val365Cysfs*141) in the PTH1R gene. While this is not anticipated to result in nonsense mediated decay, it is expected to disrupt the last 229 amino acid(s) of the PTH1R protein. This variant is present in population databases (no rsID available, gnomAD 0.002%). This premature translational stop signal has been observed in individuals with primary failure of tooth eruption (PFTE) or Blomstrand chondrodysplasia (PMID: 10523019, 23771181, 23910200). This variant is also known as 1092delG. ClinVar contains an entry for this variant (Variation ID: 13746). Algorithms developed to predict the effect of variants on gene product structure and function are not available or were not evaluated for this variant. Experimental studies have shown that this premature translational stop signal affects PTH1R function (PMID: 28643929). For these reasons, this variant has been classified as Pathogenic.

OMIM
Classification: Pathogenic for CHONDRODYSPLASIA, BLOMSTRAND TYPE. Last evaluated: 1999-10-01. Review status: no assertion criteria provided. Collection method: literature only. Allele origin: germline. Not counted in ClinVar's aggregate classification.

Literature cited by the submitters: PubMed 10523019 (cited by Labcorp Genetics (formerly Invitae), Labcorp and OMIM); PubMed 23771181 (cited by Labcorp Genetics (formerly Invitae), Labcorp); PubMed 23910200 (cited by Labcorp Genetics (formerly Invitae), Labcorp); PubMed 28643929 (cited by Labcorp Genetics (formerly Invitae), Labcorp).